The following is an entry in ClinVar:

NM_001457.4(FLNB):c.1187C>T (p.Pro396Leu)

Gene: FLNB (filamin B; plus strand). Cytogenetic location: 3p14.3.
Variant type: single nucleotide variant.
Coding change: c.1187C>T on transcript NM_001457.4 (MANE Select); coding-DNA position 1187, C replaced by T.
Protein change: p.Pro396Leu; replaces proline 396 with leucine.
Molecular consequence: missense variant.
Genome position (GRCh38, 1-based): chr3:58,098,750, C>T. VCF-style: chr3-58098750-C-T. GRCh37 (hg19) VCF-style: chr3-58084477-C-T.
Other names: c.1187C>T, p.Pro396Leu (NM_001164317.2, NM_001164318.2, NM_001164319.2); short protein forms P396L.
Identifiers: ClinVar variation 3674336 (VCV003674336.2).
Genomic context (GRCh38, chr3:58,098,750, plus strand): 5'-GGAATGCTTGCTTTCTTGTAGGAGCTGGTGTGGGTGACATTGGTGTGGAGGTGGAAGATC[C>T]CCAGGGGAAGAACACCGTGGAGTTGCTCGTGGAAGACAAAGGAAACCAGGTGTATCGATG-3'
Protein context (NP_001448.2, residues 386-406): VGDIGVEVED[Pro396Leu]QGKNTVELLV

ClinVar aggregate classification (germline): Uncertain significance (1 of 4 stars; one submission).

Submission:

Labcorp Genetics (formerly Invitae), Labcorp
Classification: Uncertain significance. Last evaluated: 2024-07-01. Review status: criteria provided, single submitter. Criteria: Invitae Variant Classification Sherloc (09022015). Collection method: clinical testing. Allele origin: germline.
Comment: This sequence change replaces proline, which is neutral and non-polar, with leucine, which is neutral and non-polar, at codon 396 of the FLNB protein (p.Pro396Leu). This variant is not present in population databases (gnomAD no frequency). This variant has not been reported in the literature in individuals affected with FLNB-related conditions. Advanced modeling of protein sequence and biophysical properties (such as structural, functional, and spatial information, amino acid conservation, physicochemical variation, residue mobility, and thermodynamic stability) performed at Invitae indicates that this missense variant is not expected to disrupt FLNB protein function with a negative predictive value of 95%. In summary, the available evidence is currently insufficient to determine the role of this variant in disease. Therefore, it has been classified as a Variant of Uncertain Significance.